The following is an entry in ClinVar:

ClinVar aggregate classification (germline): Uncertain significance. Review status: criteria provided, multiple submitters, no conflicts (2 of 4 stars). 2 submissions from 2 submitters: Uncertain significance (2). Last evaluated 2022-10-26.

Conditions:
Orthostatic hypotension 1 (ORTHYP1). Also called: Orthostatic hypotension 1, due to DBH deficiency; NORADRENALINE DEFICIENCY; NOREPINEPHRINE DEFICIENCY; Dopamine beta-hydroxylase deficiency. Identifiers: Orphanet 230, MedGen C4746777, MONDO:0009123, OMIM 223360.
Inborn genetic diseases. Identifiers: MedGen C0950123, MeSH D030342.

Allele frequency attached by ClinVar (database versions not stated): gnomAD 0.00003 and 0.00004; TOPMed 0.00005; ExAC 0.00006; gnomAD exomes 0.00006; ESP Exome Variant Server 0.00008.
gnomAD v4.1: 167 of 1,610,768 alleles (0.01%); highest among the groups gnomAD compares: Non-Finnish European, 0.013%; no homozygotes.

Submissions (2):

Ambry Genetics
Classification: Uncertain significance for Inborn genetic diseases. Last evaluated: 2022-10-26. Review status: criteria provided, single submitter. Criteria: Ambry Variant Classification Scheme 2023. Collection method: clinical testing. Allele origin: germline.

Labcorp Genetics (formerly Invitae), Labcorp
Classification: Uncertain significance for Orthostatic hypotension 1. Last evaluated: 2022-10-25. Review status: criteria provided, single submitter. Criteria: Invitae Variant Classification Sherloc (09022015). Collection method: clinical testing. Allele origin: germline.
Comment: This variant is present in population databases (rs142648386, gnomAD 0.01%). In summary, the available evidence is currently insufficient to determine the role of this variant in disease. Therefore, it has been classified as a Variant of Uncertain Significance. Advanced modeling of protein sequence and biophysical properties (such as structural, functional, and spatial information, amino acid conservation, physicochemical variation, residue mobility, and thermodynamic stability) performed at Invitae indicates that this missense variant is not expected to disrupt DBH protein function. ClinVar contains an entry for this variant (Variation ID: 1507427). This variant has not been reported in the literature in individuals affected with DBH-related conditions. This sequence change replaces arginine, which is basic and polar, with glutamine, which is neutral and polar, at codon 243 of the DBH protein (p.Arg243Gln).

NM_000787.4(DBH):c.728G>A (p.Arg243Gln)

Gene: DBH (dopamine beta-hydroxylase; plus strand). Cytogenetic location: 9q34.2.
Variant type: single nucleotide variant.
Coding change: c.728G>A on transcript NM_000787.4 (MANE Select); coding-DNA position 728, G replaced by A.
Protein change: p.Arg243Gln; replaces arginine 243 with glutamine.
Molecular consequence: missense variant.
Genome position (GRCh38, 1-based): chr9:133,642,448, G>A. VCF-style: chr9-133642448-G-A. GRCh37 (hg19) VCF-style: chr9-136507570-G-A.
Other names: c.728G>A (NM_000787.3); short protein forms R243Q.
Identifiers: ClinVar variation 1507427 (VCV001507427.9), dbSNP rs142648386, ClinGen allele CA5313163.